The following is an entry in ClinVar:

ClinVar aggregate classification (germline): Uncertain significance (1 of 4 stars; one submission).

Allele frequency attached by ClinVar (database versions not stated): TOPMed below 0.00001.

Submission:

Labcorp Genetics (formerly Invitae), Labcorp
Classification: Uncertain significance. Last evaluated: 2022-09-06. Review status: criteria provided, single submitter. Criteria: Invitae Variant Classification Sherloc (09022015). Collection method: clinical testing. Allele origin: germline.
Comment: This sequence change replaces isoleucine, which is neutral and non-polar, with phenylalanine, which is neutral and non-polar, at codon 617 of the C1S protein (p.Ile617Phe). Algorithms developed to predict the effect of missense changes on protein structure and function output the following: SIFT: "Deleterious"; PolyPhen-2: "Benign"; Align-GVGD: "Class C15". The phenylalanine amino acid residue is found in multiple mammalian species, which suggests that this missense change does not adversely affect protein function. This variant has not been reported in the literature in individuals affected with C1S-related conditions. This variant is not present in population databases (gnomAD no frequency). In summary, the available evidence is currently insufficient to determine the role of this variant in disease. Therefore, it has been classified as a Variant of Uncertain Significance.

NM_001734.5(C1S):c.1849A>T (p.Ile617Phe)

Gene: C1S (complement C1s; plus strand). Cytogenetic location: 12p13.31.
Variant type: single nucleotide variant.
Coding change: c.1849A>T on transcript NM_001734.5 (MANE Select); coding-DNA position 1849, A replaced by T.
Protein change: p.Ile617Phe; replaces isoleucine 617 with phenylalanine.
Molecular consequence: missense variant.
Genome position (GRCh38, 1-based): chr12:7,070,433, A>T. VCF-style: chr12-7070433-A-T. GRCh37 (hg19) VCF-style: chr12-7177737-A-T.
Other names: c.1348A>T, p.Ile450Phe (NM_001346850.2); c.1849A>T, p.Ile617Phe (NM_201442.4); short protein forms I450F, I617F.
Identifiers: ClinVar variation 1718446 (VCV001718446.5), dbSNP rs1937820739, ClinGen allele CA383707467.